The following is an entry in ClinVar:

NM_007294.4(BRCA1):c.1519A>T (p.Arg507Ter)

Gene: BRCA1 (BRCA1 DNA repair associated; minus strand). Cytogenetic location: 17q21.31.
Variant type: single nucleotide variant.
Coding change: c.1519A>T on transcript NM_007294.4 (MANE Select); coding-DNA position 1519, A replaced by T.
Protein change: p.Arg507Ter; replaces arginine 507 with a stop codon.
Molecular consequence: nonsense. On other transcripts: intron variant (137).
Genome position (GRCh38, 1-based): chr17:43,094,012, T>A on the plus strand (A>T on the coding strand, the complement: BRCA1 is on the minus strand). VCF-style: chr17-43094012-T-A. GRCh37 (hg19) VCF-style: chr17-41246029-T-A.
Other names: c.664+732A>T (NM_001408430.1, NM_001408427.1, NM_001408443.1 and 12 more transcripts); c.670+1834A>T (NM_001408423.1, NM_001408420.1, NM_001408419.1 and 2 more transcripts); c.787+732A>T (NM_001408404.1, NM_001408472.1, NM_001407990.1 and 19 more transcripts); c.577+732A>T (NM_001408492.1, NM_001408513.1, NM_001408489.1 and 9 more transcripts); c.643+732A>T (NM_001408468.1, NM_001408465.1, NM_001408463.1 and 3 more transcripts); c.523+732A>T (NM_001408501.1, NM_001408500.1, NM_001408497.1 and 3 more transcripts); c.646+732A>T (NM_001408455.1, NM_001408466.1, NM_001408452.1 and 11 more transcripts); c.520+732A>T (NM_001408503.1, NM_001408505.1, NM_001408504.1); and 40 more; short protein forms R507*, R460*, R396*, R418*, R459*, R504*, R380*, R395*.
Identifiers: ClinVar variation 54283 (VCV000054283.3), dbSNP rs397508880, ClinGen allele CA001026.

ClinVar aggregate classification (germline): Pathogenic. Review status: reviewed by expert panel (3 of 4 stars). 2 submissions from 2 submitters: Pathogenic (1). 1 of the submissions does not count toward it. Last evaluated 2017-12-15.

Conditions:
Breast-ovarian cancer, familial, susceptibility to, 1 (BROVCA1). Also called: OVARIAN CANCER, SUSCEPTIBILITY TO; BRCA1 Hereditary Breast and Ovarian Cancer. Identifiers: Orphanet 145, MedGen C2676676, MONDO:0011450, OMIM 604370. Disease mechanism: loss of function.
Familial cancer of breast. Also called: Hereditary breast cancer; hereditary breast carcinoma; BREAST CANCER, FAMILIAL. Identifiers: Orphanet 227535, MedGen C0346153, MONDO:0016419, OMIM 114480. Disease mechanism: loss of function.

Submissions (2):

Evidence-based Network for the Interpretation of Germline Mutant Alleles (ENIGMA)
Classification: Pathogenic for Breast-ovarian cancer, familial, susceptibility to, 1. Last evaluated: 2017-12-15. Review status: reviewed by expert panel. Criteria: ENIGMA BRCA1/2 Classification Criteria (2017-06-29). Collection method: curation. Allele origin: germline. Study: ENIGMA.
Comment: Variant allele predicted to encode a truncated non-functional protein.

ClinVar Staff, National Center for Biotechnology Information (NCBI)
No classification provided. Condition: Familial cancer of breast. Review status: no classification provided. Collection method: literature only. Allele origin: germline. Affected: yes. Not counted in ClinVar's aggregate classification.

Literature cited by the submitters: PubMed 19619314 (cited by ClinVar Staff, National Center for Biotechnology Information (NCBI)).